The following is an entry in ClinVar:

NM_020964.3(EPG5):c.7082A>C (p.Glu2361Ala)

Gene: EPG5 (ectopic P-granules 5 autophagy tethering factor; minus strand). Cytogenetic location: 18q12.3.
Variant type: single nucleotide variant.
Coding change: c.7082A>C on transcript NM_020964.3 (MANE Select); coding-DNA position 7082, A replaced by C.
Protein change: p.Glu2361Ala; replaces glutamic acid 2361 with alanine.
Molecular consequence: missense variant.
Genome position (GRCh38, 1-based): chr18:45,858,710, T>G on the plus strand (A>C on the coding strand, the complement: EPG5 is on the minus strand). VCF-style: chr18-45858710-T-G. GRCh37 (hg19) VCF-style: chr18-43438675-T-G.
Other names: c.7082A>C, p.Glu2361Ala (LRG_1234t1); short protein forms E2361A.
Identifiers: ClinVar variation 466263 (VCV000466263.8), dbSNP rs374750937, ClinGen allele CA8948080.

ClinVar aggregate classification (germline): Uncertain significance. Review status: criteria provided, multiple submitters, no conflicts (2 of 4 stars). 2 submissions from 2 submitters: Uncertain significance (2). Last evaluated 2024-08-01.

Conditions:
Inborn genetic diseases. Identifiers: MedGen C0950123, MeSH D030342.
Vici syndrome (VICIS). Identifiers: Orphanet 1493, MedGen C1855772, MONDO:0009452, OMIM 242840.

Allele frequency attached by ClinVar (database versions not stated): gnomAD exomes 0.00001; ExAC 0.00003; gnomAD 0.00003 and 0.00004; TOPMed 0.00003; ESP Exome Variant Server 0.00016.
gnomAD v4.1: 8 of 1,614,054 alleles (0.0005%); highest among the groups gnomAD compares: African/African-American, 0.0093%; no homozygotes.

Submissions (2):

Ambry Genetics
Classification: Uncertain significance for Inborn genetic diseases. Last evaluated: 2024-08-01. Review status: criteria provided, single submitter. Criteria: Ambry Variant Classification Scheme 2023. Collection method: clinical testing. Allele origin: germline.

Labcorp Genetics (formerly Invitae), Labcorp
Classification: Uncertain significance for Vici syndrome. Last evaluated: 2021-09-01. Review status: criteria provided, single submitter. Criteria: Invitae Variant Classification Sherloc (09022015). Collection method: clinical testing. Allele origin: germline.
Comment: This sequence change replaces glutamic acid with alanine at codon 2361 of the EPG5 protein (p.Glu2361Ala). The glutamic acid residue is moderately conserved and there is a moderate physicochemical difference between glutamic acid and alanine. This variant is present in population databases (rs374750937, ExAC 0.03%). This variant has not been reported in the literature in individuals affected with EPG5-related conditions. Algorithms developed to predict the effect of missense changes on protein structure and function (SIFT, PolyPhen-2, Align-GVGD) all suggest that this variant is likely to be tolerated. In summary, the available evidence is currently insufficient to determine the role of this variant in disease. Therefore, it has been classified as a Variant of Uncertain Significance.